The following is an entry in ClinVar:

NM_000051.4(ATM):c.7307+2dup

Genes: ATM (ATM serine/threonine kinase; plus strand), C11orf65 (chromosome 11 open reading frame 65; minus strand). Cytogenetic location: 11q22.3.
Variant type: Duplication.
Coding change: c.7307+2dup on transcript NM_000051.4 (MANE Select); the canonical splice donor site of the intron after coding-DNA position 7307, one base duplicated (T; older notation c.7307+2dupT).
Molecular consequence: splice donor variant. On other transcripts: intron variant (2).
Genome position (GRCh38, 1-based): chr11:108,329,240, T duplicated. VCF-style (leftmost placement, unchanged base first): chr11-108329239-G-GT. GRCh37 (hg19) VCF-style: chr11-108199966-G-GT.
Other names: c.7307+2dupT (NM_000051.3); c.7307+2dup (NM_001351834.2); c.641-20169dup (NM_001330368.2); c.*38+5980dup (NM_001351110.2).
Identifiers: ClinVar variation 927042 (VCV000927042.13), dbSNP rs2086004268, ClinGen allele CA913188475.
Genomic context (GRCh38, chr11:108,329,239, plus strand): 5'-CCTGAAAAGAGCCAAAGAGGAAGTAGGTCTCCTTAGGGAACATAAAATTCAGACAAACAG[G>GT]TAACTAGGTTTCTACAAGTGACAATTTTATGTTCACCAGTTAACTGAGTGAGTGTTTTTG-3'

ClinVar aggregate classification (germline): Conflicting classifications of pathogenicity. Review status: criteria provided, conflicting classifications (1 of 4 stars). 3 submissions from 3 submitters: Pathogenic (1); Likely pathogenic (1); Uncertain significance (1). Last evaluated 2024-09-04.

Conditions:
Hereditary cancer-predisposing syndrome. Also called: Tumor predisposition; Neoplastic Syndromes, Hereditary; Hereditary neoplastic syndrome; Hereditary Cancer Syndrome. Identifiers: Orphanet 140162, MedGen C0027672, MeSH D009386, MONDO:0015356.
Ataxia-telangiectasia syndrome (AT). Also called: Ataxia-telangiectasia, complementation group D; AT, COMPLEMENTATION GROUP C; ATAXIA-TELANGIECTASIA, COMPLEMENTATION GROUP A; ATAXIA-TELANGIECTASIA, FRESNO VARIANT; Ataxia-telangiectasia; Ataxia telangiectasia (A-T). Identifiers: Orphanet 100, MedGen C0004135, MONDO:0008840, OMIM 208900.

Submissions (3):

Ambry Genetics
Classification: Likely pathogenic for Hereditary cancer-predisposing syndrome. Last evaluated: 2024-09-04. Review status: criteria provided, single submitter. Criteria: Ambry Variant Classification Scheme 2023. Collection method: clinical testing. Allele origin: germline.
Comment: The c.7307+2dupT intronic variant, results from a duplication of one nucleotide after coding exon 48 of the ATM gene. This nucleotide position is highly conserved in available vertebrate species. In silico splice site analysis predicts that this alteration will weaken the native splice donor site. Other alterations impacting the same donor site (c.7307+3_7307+4insGTTC and c.7307+3A>T) has been has been shown to have a similar impact on splicing in the set of samples tested (Ambry internal data). This variant is considered to be rare based on population cohorts in the Genome Aggregation Database (gnomAD). Based on the majority of available evidence to date, this variant is likely to be pathogenic.

Labcorp Genetics (formerly Invitae), Labcorp
Classification: Pathogenic for Ataxia-telangiectasia syndrome. Last evaluated: 2024-03-15. Review status: criteria provided, single submitter. Criteria: Invitae Variant Classification Sherloc (09022015). Collection method: clinical testing. Allele origin: germline.
Comment: This sequence change falls in intron 49 of the ATM gene. It does not directly change the encoded amino acid sequence of the ATM protein. RNA analysis indicates that this variant induces altered splicing and may result in an absent or disrupted protein product. This variant is not present in population databases (gnomAD no frequency). This variant has not been reported in the literature in individuals affected with ATM-related conditions. ClinVar contains an entry for this variant (Variation ID: 927042). Variants that disrupt the consensus splice site are a relatively common cause of aberrant splicing (PMID: 17576681, 9536098). Studies have shown that this variant results in activation of a cryptic splice site and introduces a premature termination codon (Invitae). The resulting mRNA is expected to undergo nonsense-mediated decay. For these reasons, this variant has been classified as Pathogenic.

Color Diagnostics, LLC DBA Color Health
Classification: Uncertain significance for Hereditary cancer-predisposing syndrome. Last evaluated: 2019-02-25. Review status: criteria provided, single submitter. Criteria: ACMG Guidelines, 2015. Collection method: clinical testing. Allele origin: germline.

Literature cited by the submitters: PubMed 17576681 (cited by Labcorp Genetics (formerly Invitae), Labcorp); PubMed 9536098 (cited by Labcorp Genetics (formerly Invitae), Labcorp).